The following is an entry in ClinVar:

ClinVar aggregate classification (germline): Pathogenic. Review status: criteria provided, multiple submitters, no conflicts (2 of 4 stars). 2 submissions from 2 submitters: Pathogenic (2). Last evaluated 2021-03-08.

Conditions:
Succinate-semialdehyde dehydrogenase deficiency (SSADHD). Also called: 4-HYDROXYBUTYRIC ACIDURIA; GABA METABOLIC DEFECT; SSADH DEFICIENCY; Succinic Semialdehyde Dehydrogenase Deficiency. Identifiers: Orphanet 22, MedGen C0268631, MONDO:0010083, OMIM 271980.

Submissions (2):

Elsea Laboratory, Baylor College of Medicine
Classification: Pathogenic for Succinate-semialdehyde dehydrogenase deficiency. Last evaluated: 2021-03-08. Review status: criteria provided, single submitter. Criteria: Martin et al. (J Child Neurol. 2021). Collection method: curation. Allele origin: germline. Affected: yes.

Juno Genomics, Hangzhou Juno Genomics, Inc
Classification: Pathogenic for Succinate-semialdehyde dehydrogenase deficiency. Review status: criteria provided, single submitter. Criteria: ACMG Guidelines, 2015. Collection method: clinical testing. Allele origin: germline.
Comment: Absent from controls (or at extremely low frequency if recessive) in Genome Aggregation Database.;Null variant in a gene where loss of function (LOF) is a known mechanism of disease.;For recessive disorders, detected in trans with a pathogenic variant.;Patient's phenotype or family history is highly specific for a disease with a single genetic etiology.

Literature cited by the submitters: PubMed 26220405 (cited by Elsea Laboratory, Baylor College of Medicine).

NM_001080.3(ALDH5A1):c.1344-2del

Gene: ALDH5A1 (aldehyde dehydrogenase 5 family member A1; plus strand). Cytogenetic location: 6p22.3.
Variant type: Deletion.
Coding change: c.1344-2del on transcript NM_001080.3 (MANE Select); the canonical splice acceptor site of the intron before coding-DNA position 1344, one base deleted (A; older notation c.1344-2delA).
Molecular consequence: splice acceptor variant.
Genome position (GRCh38, 1-based): chr6:24,532,117, A deleted. VCF-style (leftmost placement, unchanged base first): chr6-24532116-CA-C. GRCh37 (hg19) VCF-style: chr6-24532344-CA-C.
Other names: c.1383-2del (NM_170740.1); c.1200-2del (NM_001368954.1).
Identifiers: ClinVar variation 1878485 (VCV001878485.6), dbSNP rs2532886288, ClinGen allele CA2580074552.